The following is an entry in ClinVar:

ClinVar aggregate classification (germline): Likely benign (1 of 4 stars; one submission).

Conditions:
Wilson disease (WND). Also called: Wilson's disease. Identifiers: Orphanet 905, MedGen C0019202, MONDO:0010200, OMIM 277900. Disease mechanism: loss of function.

Submission:

All of Us Research Program, National Institutes of Health
Classification: Likely benign for Wilson disease. Last evaluated: 2024-05-30. Review status: criteria provided, single submitter. Criteria: ACMG Guidelines, 2015. Collection method: clinical testing. Allele origin: germline. Inheritance: Autosomal recessive inheritance. Observed: 1 variant allele, 1 heterozygote.
Comment: This study involves interpretation of variants in research participants for the purpose of population health screening. Participant phenotype was not available at the time of variant classification. Additional details can be found in publication PMID: 35346344, PMCID: PMC8962531

NM_000053.4(ATP7B):c.2259T>A (p.Ala753=)

Gene: ATP7B (ATPase copper transporting beta; minus strand). Cytogenetic location: 13q14.3.
Variant type: single nucleotide variant.
Coding change: c.2259T>A on transcript NM_000053.4 (MANE Select); coding-DNA position 2259, T replaced by A.
Protein change: p.Ala753=; no amino-acid change (alanine 753 retained).
Molecular consequence: synonymous variant. On other transcripts: intron variant (20).
Genome position (GRCh38, 1-based): chr13:51,958,407, A>T on the plus strand (T>A on the coding strand, the complement: ATP7B is on the minus strand). VCF-style: chr13-51958407-A-T. GRCh37 (hg19) VCF-style: chr13-52532543-A-T.
Other names: c.1926T>A, p.Ala642= (NM_001243182.2); c.2007T>A, p.Ala669= (NM_001330579.2, NM_001406531.1, NM_001406532.1 and 1 more transcripts); c.2259T>A, p.Ala753= (NM_001406511.1, NM_001406512.1, NM_001406513.1 and 7 more transcripts); c.2226T>A, p.Ala742= (NM_001406514.1); c.2163T>A, p.Ala721= (NM_001406517.1, NM_001406518.1); c.1830T>A, p.Ala610= (NM_001406539.1); c.1911T>A, p.Ala637= (NM_001406543.1); c.1870-800T>A (NM_001406541.1, NM_001005918.3, NM_001406546.1 and 1 more transcripts); and 8 more.
Identifiers: ClinVar variation 3387740 (VCV003387740.1).